The following is an entry in ClinVar:

NM_001292034.3(TAB2):c.344G>T (p.Gly115Val)

Gene: TAB2 (TGF-beta activated kinase 1 (MAP3K7) binding protein 2; plus strand). Cytogenetic location: 6q25.1.
Variant type: single nucleotide variant.
Coding change: c.344G>T on transcript NM_001292034.3 (MANE Select); coding-DNA position 344, G replaced by T.
Protein change: p.Gly115Val; replaces glycine 115 with valine.
Molecular consequence: missense variant.
Genome position (GRCh38, 1-based): chr6:149,378,259, G>T. VCF-style: chr6-149378259-G-T. GRCh37 (hg19) VCF-style: chr6-149699395-G-T.
Other names: c.248G>T, p.Gly83Val (NM_001292035.3); c.344G>T, p.Gly115Val (NM_001369506.1, NM_015093.6); short protein forms G115V, G83V.
Identifiers: ClinVar variation 2176639 (VCV002176639.4), dbSNP rs2483385009, ClinGen allele CA365993559.

ClinVar aggregate classification (germline): Uncertain significance (1 of 4 stars; one submission).

Submission:

Labcorp Genetics (formerly Invitae), Labcorp
Classification: Uncertain significance. Last evaluated: 2022-11-08. Review status: criteria provided, single submitter. Criteria: Invitae Variant Classification Sherloc (09022015). Collection method: clinical testing. Allele origin: germline.
Comment: In summary, the available evidence is currently insufficient to determine the role of this variant in disease. Therefore, it has been classified as a Variant of Uncertain Significance. Advanced modeling of protein sequence and biophysical properties (such as structural, functional, and spatial information, amino acid conservation, physicochemical variation, residue mobility, and thermodynamic stability) performed at Invitae indicates that this missense variant is not expected to disrupt TAB2 protein function. This variant has not been reported in the literature in individuals affected with TAB2-related conditions. This variant is not present in population databases (gnomAD no frequency). This sequence change replaces glycine, which is neutral and non-polar, with valine, which is neutral and non-polar, at codon 115 of the TAB2 protein (p.Gly115Val).